The following is an entry in ClinVar:

NM_001035.3(RYR2):c.2203+4C>T

Gene: RYR2 (ryanodine receptor 2; plus strand). Cytogenetic location: 1q43.
Variant type: single nucleotide variant.
Coding change: c.2203+4C>T on transcript NM_001035.3 (MANE Select); 4 bases into the intron after coding-DNA position 2203, C replaced by T.
Molecular consequence: intron variant.
Genome position (GRCh38, 1-based): chr1:237,496,756, C>T. VCF-style: chr1-237496756-C-T. GRCh37 (hg19) VCF-style: chr1-237660056-C-T.
Other names: c.2203+4C>T (LRG_402t1).
Identifiers: ClinVar variation 382357 (VCV000382357.16), dbSNP rs371445192, ClinGen allele CA085979.
Genomic context (GRCh38, chr1:237,496,756, plus strand): 5'-ATGGTGTTGGAGATGATCTCTTCTCCTATGGATTTGATGGCCTTCATCTCTGGTCAGGTA[C>T]GTACTATCCATTTTCTTTCACCGTGTTCCAGAAGATCTTTTGCTGGGCATTTCTGAAAGC-3'

ClinVar aggregate classification (germline): Conflicting classifications of pathogenicity. Review status: criteria provided, conflicting classifications (1 of 4 stars). 7 submissions from 7 submitters: Uncertain significance (3); Likely benign (4). Last evaluated 2026-05-01.

Conditions:
RYR2-related disorder. Also called: RYR2-related condition.
Cardiovascular phenotype. Identifiers: MedGen CN230736.
Catecholaminergic polymorphic ventricular tachycardia (CVPT). Also called: Catecholamine-induced polymorphic ventricular tachycardia. Identifiers: Orphanet 3286, MedGen C5574922, MONDO:0017990.
Cardiomyopathy (CMYO). Also called: Cardiomyopathies. Identifiers: Orphanet 167848, MedGen C0878544, MONDO:0004994, HP:0001638. Inheritance: Various modes of inheritance.
Catecholaminergic polymorphic ventricular tachycardia 1. Also called: VENTRICULAR TACHYCARDIA, CATECHOLAMINERGIC POLYMORPHIC, 1, WITH OR WITHOUT ATRIAL DYSFUNCTION AND/OR DILATED CARDIOMYOPATHY; VENTRICULAR TACHYCARDIA, STRESS-INDUCED POLYMORPHIC 1; RYR2-Related Catecholaminergic Polymorphic Ventricular Tachycardia. Identifiers: Orphanet 3286, MedGen C1631597, MONDO:0011484, OMIM 604772.

Allele frequency attached by ClinVar (database versions not stated): gnomAD exomes 0.00001; ExAC 0.00002; gnomAD 0.00003; TOPMed 0.00008; ESP Exome Variant Server 0.00016.
gnomAD v4.1: 18 of 1,602,234 alleles (0.0011%); highest among the groups gnomAD compares: African/African-American, 0.0094%; no homozygotes.

Submissions (7):

Women's Health and Genetics/Laboratory Corporation of America, LabCorp
Classification: Uncertain significance. Last evaluated: 2026-05-01. Review status: criteria provided, single submitter. Criteria: LabCorp Variant Classification Summary - May 2015. Collection method: clinical testing. Allele origin: germline.

PreventionGenetics, part of Exact Sciences
Classification: Likely benign for RYR2-related condition. Last evaluated: 2024-12-29. Review status: criteria provided, single submitter. Criteria: ACMG Guidelines, 2015. Collection method: clinical testing. Allele origin: germline.
Comment: This variant is classified as likely benign based on ACMG/AMP sequence variant interpretation guidelines (Richards et al. 2015 PMID: 25741868, with internal and published modifications).

Labcorp Genetics (formerly Invitae), Labcorp
Classification: Uncertain significance for Catecholaminergic polymorphic ventricular tachycardia 1. Last evaluated: 2024-12-20. Review status: criteria provided, single submitter. Criteria: Invitae Variant Classification Sherloc (09022015). Collection method: clinical testing. Allele origin: germline.
Comment: This sequence change falls in intron 20 of the RYR2 gene. It does not directly change the encoded amino acid sequence of the RYR2 protein. It affects a nucleotide within the consensus splice site. This variant is present in population databases (rs371445192, gnomAD 0.01%). This variant has not been reported in the literature in individuals affected with RYR2-related conditions. ClinVar contains an entry for this variant (Variation ID: 382357). Variants that disrupt the consensus splice site are a relatively common cause of aberrant splicing (PMID: 17576681, 9536098). Algorithms developed to predict the effect of sequence changes on RNA splicing suggest that this variant is not likely to affect RNA splicing. In summary, the available evidence is currently insufficient to determine the role of this variant in disease. Therefore, it has been classified as a Variant of Uncertain Significance.

Ambry Genetics
Classification: Uncertain significance for Cardiovascular phenotype. Last evaluated: 2024-09-12. Review status: criteria provided, single submitter. Criteria: Ambry Variant Classification Scheme 2023. Collection method: clinical testing. Allele origin: germline.
Comment: The c.2203+4C>T intronic variant results from a C to T substitution 4 nucleotides after coding exon 20 in the RYR2 gene. This nucleotide position is poorly conserved in available vertebrate species. In silico splice site analysis predicts that this alteration will not have any significant effect on splicing. Based on the available evidence, the clinical significance of this variant remains unclear.

All of Us Research Program, National Institutes of Health
Classification: Likely benign for Catecholaminergic polymorphic ventricular tachycardia. Last evaluated: 2023-12-13. Review status: criteria provided, single submitter. Criteria: ACMG Guidelines, 2015. Collection method: clinical testing. Allele origin: germline. Inheritance: Autosomal dominant inheritance. Observed: 3 variant alleles, 3 heterozygotes.
Comment: This study involves interpretation of variants in research participants for the purpose of population health screening. Participant phenotype was not available at the time of variant classification. Additional details can be found in publication PMID: 35346344, PMCID: PMC8962531

GeneDx
Classification: Likely benign. Last evaluated: 2019-10-22. Review status: criteria provided, single submitter. Criteria: GeneDx Variant Classification Process June 2021. Collection method: clinical testing. Allele origin: germline. Affected: yes.

Color Diagnostics, LLC DBA Color Health
Classification: Likely benign for Cardiomyopathy. Last evaluated: 2019-10-07. Review status: criteria provided, single submitter. Criteria: ACMG Guidelines, 2015. Collection method: clinical testing. Allele origin: germline.

Literature cited by the submitters: PubMed 17576681 (cited by Labcorp Genetics (formerly Invitae), Labcorp); PubMed 9536098 (cited by Labcorp Genetics (formerly Invitae), Labcorp).